The following is an entry in ClinVar:

ClinVar aggregate classification (germline): Uncertain significance. Review status: criteria provided, multiple submitters, no conflicts (2 of 4 stars). 2 submissions from 2 submitters: Uncertain significance (2). Last evaluated 2024-08-22.

Conditions:
Hereditary cancer-predisposing syndrome. Also called: Hereditary neoplastic syndrome; Neoplastic Syndromes, Hereditary; Hereditary Cancer Syndrome; Tumor predisposition. Identifiers: Orphanet 140162, MedGen C0027672, MeSH D009386, MONDO:0015356.
Retinoblastoma (RB1). Also called: RETINOBLASTOMA, SOMATIC. Identifiers: Orphanet 790, MedGen C0035335, MeSH D012175, MONDO:0008380, OMIM 180200, HP:0009919. Disease mechanism: loss of function. Inheritance: Both sporadic and heritable forms are tested..

Submissions (2):

Ambry Genetics
Classification: Uncertain significance for Hereditary cancer-predisposing syndrome. Last evaluated: 2024-08-22. Review status: criteria provided, single submitter. Criteria: Ambry Variant Classification Scheme 2023. Collection method: clinical testing. Allele origin: germline.
Comment: The c.1049+5T>G intronic variant results from a T to G substitution 5 nucleotides after coding exon 10 in the RB1 gene. This nucleotide position is highly conserved in available vertebrate species. In silico splice site analysis predicts that this alteration will not have any significant effect on splicing. Based on the available evidence, the clinical significance of this variant remains unclear.

Labcorp Genetics (formerly Invitae), Labcorp
Classification: Uncertain significance for Retinoblastoma. Last evaluated: 2018-08-20. Review status: criteria provided, single submitter. Criteria: Invitae Variant Classification Sherloc (09022015). Collection method: clinical testing. Allele origin: germline.
Comment: This sequence change falls in intron 10 of the RB1 gene. It does not directly change the encoded amino acid sequence of the RB1 protein, but it affects a nucleotide within the consensus splice site of the intron. This variant is not present in population databases (ExAC no frequency). This variant has not been reported in the literature in individuals with RB1-related disease. Nucleotide substitutions within the consensus splice site are a relatively common cause of aberrant splicing (PMID: 17576681, 9536098). Algorithms developed to predict the effect of sequence changes on RNA splicing suggest that this variant may create or strengthen a splice site, but this prediction has not been confirmed by published transcriptional studies. In summary, the available evidence is currently insufficient to determine the role of this variant in disease. Therefore, it has been classified as a Variant of Uncertain Significance.

NM_000321.3(RB1):c.1049+5T>G

Gene: RB1 (RB transcriptional corepressor 1; plus strand). Cytogenetic location: 13q14.2.
Variant type: single nucleotide variant.
Coding change: c.1049+5T>G on transcript NM_000321.3 (MANE Select); 5 bases into the intron after coding-DNA position 1049, T replaced by G.
Molecular consequence: intron variant.
Genome position (GRCh38, 1-based): chr13:48,367,608, T>G. VCF-style: chr13-48367608-T-G. GRCh37 (hg19) VCF-style: chr13-48941744-T-G.
Identifiers: ClinVar variation 660370 (VCV000660370.2), dbSNP rs1593448511, ClinGen allele CA915948648.